The following is an entry in ClinVar:

NM_001370259.2(MEN1):c.1346del (p.Gly449fs)

Gene: MEN1 (menin 1; minus strand). Cytogenetic location: 11q13.1.
Variant type: Deletion.
Coding change: c.1346del on transcript NM_001370259.2 (MANE Select); coding-DNA position 1346, one base deleted (G; older notation c.1346delG).
Protein change: p.Gly449fs; shifts the reading frame from glycine 449.
Molecular consequence: frameshift variant.
Genome position (GRCh38, 1-based): chr11:64,805,038, C deleted on the plus strand (G on the coding strand, the reverse complement: MEN1 is on the minus strand); the first of 3 consecutive C bases (chr11:64,805,038-64,805,040); deleting any one gives the same sequence. VCF-style (leftmost placement, unchanged base first): chr11-64805037-TC-T. GRCh37 (hg19) VCF-style: chr11-64572509-TC-T.
Other names: c.1361del, p.Gly454fs (NM_000244.4, NM_130800.3, NM_130801.3 and 3 more transcripts); c.1472del, p.Gly491fs (NM_001370251.2); c.1346del, p.Gly449fs (NM_001370260.2, NM_001370261.2, NM_130799.3); c.1241del, p.Gly414fs (NM_001370262.2, NM_001370263.2); short protein forms G414fs, G449fs, G491fs, G454fs.
Identifiers: ClinVar variation 965054 (VCV000965054.10), dbSNP rs1941603016, ClinGen allele CA1139661997.

ClinVar aggregate classification (germline): Pathogenic (1 of 4 stars; one submission).

Conditions:
Multiple endocrine neoplasia, type 1 (MEN1). Also called: MEA I; MEN I; WERMER SYNDROME; Endocrine adenomatosis multiple; MEN 1. Identifiers: Orphanet 652, MedGen C0025267, MeSH D018761, MONDO:0007540, OMIM 131100.

Submission:

Labcorp Genetics (formerly Invitae), Labcorp
Classification: Pathogenic for Multiple endocrine neoplasia, type 1. Last evaluated: 2023-11-15. Review status: criteria provided, single submitter. Criteria: Invitae Variant Classification Sherloc (09022015). Collection method: clinical testing. Allele origin: germline.
Comment: This sequence change creates a premature translational stop signal (p.Gly449Aspfs*9) in the MEN1 gene. While this is not anticipated to result in nonsense mediated decay, it is expected to disrupt the last 162 amino acid(s) of the MEN1 protein. This variant is not present in population databases (gnomAD no frequency). This premature translational stop signal has been observed in individual(s) with multiple endocrine neoplasia type 1 (PMID: 21652691). ClinVar contains an entry for this variant (Variation ID: 965054). This variant results in an extension of the MEN1 protein. Other variant(s) that result in a similarly extended protein product (p.Thr580Argfs*8) have been determined to be pathogenic (Invitae). This suggests that these extensions are likely to be disease-causing. For these reasons, this variant has been classified as Pathogenic.

Literature cited by the submitters: PubMed 21652691.